The following is an entry in ClinVar:

NM_020971.3(SPTBN4):c.1183G>T (p.Gly395Cys)

Gene: SPTBN4 (spectrin beta, non-erythrocytic 4; plus strand). Cytogenetic location: 19q13.2.
Variant type: single nucleotide variant.
Coding change: c.1183G>T on transcript NM_020971.3 (MANE Select); coding-DNA position 1183, G replaced by T.
Protein change: p.Gly395Cys; replaces glycine 395 with cysteine.
Molecular consequence: missense variant.
Genome position (GRCh38, 1-based): chr19:40,502,487, G>T. VCF-style: chr19-40502487-G-T. GRCh37 (hg19) VCF-style: chr19-41008394-G-T.
Other names: short protein forms G395C.
Identifiers: ClinVar variation 3370008 (VCV003370008.1).

ClinVar aggregate classification (germline): Uncertain significance (1 of 4 stars; one submission).

gnomAD v4.1: 20 of 1,612,962 alleles (0.0012%); highest among the groups gnomAD compares: Non-Finnish European, 0.0016%; no homozygotes.

Submission:

GeneDx
Classification: Uncertain significance. Last evaluated: 2023-12-18. Review status: criteria provided, single submitter. Criteria: GeneDx Variant Classification Process June 2021. Collection method: clinical testing. Allele origin: germline. Affected: yes.
Comment: Not observed at significant frequency in large population cohorts (gnomAD); In silico analysis supports that this missense variant does not alter protein structure/function; Has not been previously published as pathogenic or benign to our knowledge